The following is an entry in ClinVar:

NM_001040142.2(SCN2A):c.607T>G (p.Tyr203Asp)

Gene: SCN2A (sodium voltage-gated channel alpha subunit 2; plus strand). Cytogenetic location: 2q24.3.
Variant type: single nucleotide variant.
Coding change: c.607T>G on transcript NM_001040142.2 (MANE Select); coding-DNA position 607, T replaced by G.
Protein change: p.Tyr203Asp; replaces tyrosine 203 with aspartic acid.
Molecular consequence: missense variant. On other transcripts: intron variant (2).
Genome position (GRCh38, 1-based): chr2:165,309,353, T>G. VCF-style: chr2-165309353-T-G. GRCh37 (hg19) VCF-style: chr2-166165863-T-G.
Other names: c.607T>G, p.Tyr203Asp (NM_001371247.1, NM_021007.3); c.697+97T>G (NM_001040143.2, NM_001371246.1); short protein forms Y203D.
Identifiers: ClinVar variation 451597 (VCV000451597.1), dbSNP rs1553567515, ClinGen allele CA349017255.

ClinVar aggregate classification (germline): Uncertain significance (1 of 4 stars; one submission).

Submission:

GeneDx
Classification: Uncertain significance. Last evaluated: 2017-08-22. Review status: criteria provided, single submitter. Criteria: GeneDx Variant Classification (06012015). Collection method: clinical testing. Allele origin: germline. Affected: yes.
Comment: A variant of uncertain significance has been identified in the SCN2A gene. The Y203D variant has not been published as a pathogenic variant, nor has it been reported as a benign variant to our knowledge. The Y203D variant is not observed in large population cohorts (Lek et al., 2016; 1000 Genomes Consortium et al., 2015; Exome Variant Server). The Y203D variant is a non-conservative amino acid substitution, which is likely to impact secondary protein structure as these residues differ in polarity, charge, size and/or other properties. This substitution occurs at a conserved position predicted to be within transmembrane segment S3 in the first homologous domain. In silico analysis predicts this variant is probably damaging to the protein structure/function. Additionally, the majority of missense variants in this gene are considered pathogenic (Stenson et al., 2014). Based on the currently available information, it is unclear whether this variant is a pathogenic variant or a rare benign variant.